The following is an entry in ClinVar:

ClinVar aggregate classification (germline): Likely pathogenic (1 of 4 stars; one submission).

Conditions:
SCN2A-related disorder. Also called: SCN2A-related condition; SCN2A-related disorders. Identifiers: MedGen CN382226, MONDO:1060245.

Submission:

PreventionGenetics, part of Exact Sciences
Classification: Likely pathogenic for SCN2A-related condition. Last evaluated: 2022-11-30. Review status: criteria provided, single submitter. Criteria: ACMG Guidelines, 2015. Collection method: clinical testing. Allele origin: germline.
Comment: The SCN2A c.2807T>C variant is predicted to result in the amino acid substitution p.Phe936Ser. To our knowledge, this variant has not been reported in the literature or in a large population database, indicating this variant is rare. This variant is interpreted as likely pathogenic.

NM_001040142.2(SCN2A):c.2807T>C (p.Phe936Ser)

Gene: SCN2A (sodium voltage-gated channel alpha subunit 2; plus strand). Cytogenetic location: 2q24.3.
Variant type: single nucleotide variant.
Coding change: c.2807T>C on transcript NM_001040142.2 (MANE Select); coding-DNA position 2807, T replaced by C.
Protein change: p.Phe936Ser; replaces phenylalanine 936 with serine.
Molecular consequence: missense variant.
Genome position (GRCh38, 1-based): chr2:165,344,799, T>C. VCF-style: chr2-165344799-T-C. GRCh37 (hg19) VCF-style: chr2-166201309-T-C.
Other names: c.2807T>C, p.Phe936Ser (NM_001040143.2, NM_001371246.1, NM_001371247.1 and 1 more transcripts); short protein forms F936S.
Identifiers: ClinVar variation 2635292 (VCV002635292.1), dbSNP rs2468008210, ClinGen allele CA349015756.